The following is an entry in ClinVar:

NM_022168.4(IFIH1):c.1726C>T (p.Gln576Ter)

Gene: IFIH1 (interferon induced with helicase C domain 1; minus strand). Cytogenetic location: 2q24.2.
Variant type: single nucleotide variant.
Coding change: c.1726C>T on transcript NM_022168.4 (MANE Select); coding-DNA position 1726, C replaced by T.
Protein change: p.Gln576Ter; replaces glutamine 576 with a stop codon.
Molecular consequence: nonsense.
Genome position (GRCh38, 1-based): chr2:162,278,244, G>A on the plus strand (C>T on the coding strand, the complement: IFIH1 is on the minus strand). VCF-style: chr2-162278244-G-A. GRCh37 (hg19) VCF-style: chr2-163134754-G-A.
Other names: short protein forms Q576*.
Identifiers: ClinVar variation 1384963 (VCV001384963.6), dbSNP rs2105198568, ClinGen allele CA349000129.

ClinVar aggregate classification (germline): Uncertain significance (1 of 4 stars; one submission).

Conditions:
Singleton-Merten syndrome 1 (SGMRT1). Also called: Widened medullary cavities of bone, aortic calcification, abnormal dentition, and muscular weakness; Syndrome of widened medullary cavities of the metacarpals and phalanges, aortic calcification and abnormal dentition. Identifiers: Orphanet 85191, MedGen C4225427, MONDO:0024535, OMIM 182250.
Aicardi-Goutieres syndrome 7 (AGS7). Identifiers: Orphanet 51, MedGen C3888244, MONDO:0014367, OMIM 615846.

Submission:

Labcorp Genetics (formerly Invitae), Labcorp
Classification: Uncertain significance for Aicardi-Goutieres syndrome 7; Singleton-Merten syndrome 1. Last evaluated: 2022-06-29. Review status: criteria provided, single submitter. Criteria: Invitae Variant Classification Sherloc (09022015). Collection method: clinical testing. Allele origin: germline.
Comment: In summary, the available evidence is currently insufficient to determine the role of this variant in disease. Therefore, it has been classified as a Variant of Uncertain Significance. This variant has not been reported in the literature in individuals affected with IFIH1-related conditions. This sequence change creates a premature translational stop signal (p.Gln576*) in the IFIH1 gene. It is expected to result in an absent or disrupted protein product. However, the current clinical and genetic evidence is not sufficient to establish whether loss-of-function variants in IFIH1 cause disease. This variant is not present in population databases (gnomAD no frequency).